The following is an entry in ClinVar:

NM_002397.5(MEF2C):c.22A>T (p.Ile8Phe)

Gene: MEF2C (myocyte enhancer factor 2C; minus strand). Cytogenetic location: 5q14.3.
Variant type: single nucleotide variant.
Coding change: c.22A>T on transcript NM_002397.5 (MANE Select); coding-DNA position 22, A replaced by T.
Protein change: p.Ile8Phe; replaces isoleucine 8 with phenylalanine.
Molecular consequence: missense variant.
Genome position (GRCh38, 1-based): chr5:88,823,767, T>A on the plus strand (A>T on the coding strand, the complement: MEF2C is on the minus strand). VCF-style: chr5-88823767-T-A. GRCh37 (hg19) VCF-style: chr5-88119584-T-A.
Other names: c.22A>T, p.Ile8Phe (NM_001131005.2, NM_001193347.1, NM_001193348.1 and 29 more transcripts); short protein forms I8F.
Identifiers: ClinVar variation 3382403 (VCV003382403.2).
Genomic context (GRCh38, chr5:88,823,767, plus strand): 5'-TGATACAAAAAAAGTTTACTCCACTCACCTGTCTGTTACGTTCATCCATAATCCTCGTAA[T>A]CTGAATCTTTTTTCTCCCCATAGTCCCCGTTTTTCTTCTCTCTCTCGTCCCTGAAATTAT-3'
Protein context (NP_002388.2, residues 1-18): MGRKKIQ[Ile8Phe]TRIMDERNRQ

ClinVar aggregate classification (germline): Uncertain significance (1 of 4 stars; one submission).

Conditions:
Neurodevelopmental disorder with hypotonia, stereotypic hand movements, and impaired language. Also called: Intellectual disability, autosomal dominant 20. Identifiers: Orphanet 228384, Orphanet 664410, MedGen C3150700, MONDO:0013266, OMIM 613443.

Submission:

Juno Genomics, Hangzhou Juno Genomics, Inc
Classification: Uncertain significance for Neurodevelopmental disorder with hypotonia, stereotypic hand movements, and impaired language. Review status: criteria provided, single submitter. Criteria: ACMG Guidelines, 2015. Collection method: clinical testing. Allele origin: germline. Affected: yes.
Comment: Absent from controls (or at extremely low frequency if recessive) in Genome Aggregation Database, Exome Sequencing Project, 1000 Genomes Project, or Exome Aggregation Consortium.;Multiple lines of computational evidence support a deleterious effect on the gene or gene product (conservation, evolutionary, splicing impact, etc).;Missense variant in a gene that has a low rate of benign missense variation and where missense variants are a common mechanism of disease.